The following is an entry in ClinVar:

ClinVar aggregate classification (germline): Benign (1 of 4 stars; one submission).

Conditions:
Hermansky-Pudlak syndrome 4 (HPS4). Identifiers: Orphanet 231500, Orphanet 79430, MedGen C3484357, MONDO:0013556, OMIM 614073.

Allele frequency attached by ClinVar (database versions not stated): 1000 Genomes Project 0.42292; 1000 Genomes Project 30x 0.42630; TOPMed 0.43087; gnomAD 0.44626 and 0.44728.
gnomAD v4.1: 67,909 of 152,046 alleles (45%); highest among the groups gnomAD compares: East Asian, 49%; 15,638 homozygotes.

Submission:

Illumina Laboratory Services, Illumina
Classification: Benign for Hermansky-Pudlak syndrome 4. Last evaluated: 2018-01-13. Review status: criteria provided, single submitter. Criteria: ICSL Variant Classification Criteria 13 December 2019. Collection method: clinical testing. Allele origin: germline.
Comment: This variant was observed in the ICSL laboratory as part of a predisposition screen in an ostensibly healthy population. It had not been previously curated by ICSL or reported in the Human Gene Mutation Database (HGMD: prior to June 1st, 2018), and was therefore a candidate for classification through an automated scoring system. Utilizing variant allele frequency, disease prevalence and penetrance estimates, and inheritance mode, an automated score was calculated to assess if this variant is too frequent to cause the disease. Based on the score and internal cut-off values, a variant classified as benign is not then subjected to further curation. The score for this variant resulted in a classification of benign for this disease.

NM_022081.6(HPS4):c.*1962C>T

Gene: HPS4 (HPS4 biogenesis of lysosomal organelles complex 3 subunit 2; minus strand). Cytogenetic location: 22q12.1.
Variant type: single nucleotide variant.
Coding change: c.*1962C>T on transcript NM_022081.6 (MANE Select); 1962 bases downstream of the stop codon, C replaced by T.
Molecular consequence: 3 prime UTR variant. On other transcripts: non-coding transcript variant (8), intron variant (2).
Genome position (GRCh38, 1-based): chr22:26,451,271, G>A on the plus strand (C>T on the coding strand, the complement: HPS4 is on the minus strand). VCF-style: chr22-26451271-G-A. GRCh37 (hg19) VCF-style: chr22-26847237-G-A.
Other names: c.*1962C>T (NM_001349896.1, NM_001349898.2, NM_001349899.2 and 3 more transcripts); c.*1897C>T (NM_001349902.1, NM_001349903.2); c.1956-6577C>T (NM_001349905.1, NM_001349904.2).
Identifiers: ClinVar variation 903363 (VCV000903363.4), dbSNP rs5761533, ClinGen allele CA14949383.
Genomic context (GRCh38, chr22:26,451,271, plus strand): 5'-TGGCCCGTACTCTGGGGGCGCTAATTTTGAGGGGATGGGCCTGGGGCTGTGGGATTAACC[G>A]TGTCCTGAGTGACCCCCTGAAACCTCTGAAATATTAAAAAACGGGAAAACAGCGGGTTAA-3'